The following is an entry in ClinVar:

ClinVar aggregate classification (germline): Likely pathogenic. Review status: criteria provided, multiple submitters, no conflicts (2 of 4 stars). 2 submissions from 2 submitters: Likely pathogenic (2). Last evaluated 2025-08-05.

Conditions:
CFTR-related disorder (CFTR-RD). Also called: CFTR-related disorders; CFTR-related condition. Identifiers: MedGen C5924204, MONDO:7770004.

Submissions (2):

Natera, Inc.
Classification: Likely pathogenic for CFTR-related disorders. Last evaluated: 2025-08-05. Review status: criteria provided, single submitter. Criteria: Natera Variant Classification Schema (03/2026). Collection method: clinical testing. Allele origin: germline.
Comment: The c.870_1116del variant in CFTR is a frameshift variant predicted to shift the reading frame beginning at codon 291 and leads to a stop codon 15 codons downstream. This variant is expected to result in nonsense mediated decay, truncation, or a dysfunctional protein product. This variant is rare in the general population with a frequency below the threshold expected for the associated phenotype(s). Given the available evidence, this variant is classified as Likely Pathogenic.

Quest Diagnostics Nichols Institute San Juan Capistrano
Classification: Likely pathogenic. Last evaluated: 2018-03-05. Review status: criteria provided, single submitter. Criteria: Quest Diagnostics criteria. Collection method: clinical testing. Allele origin: germline.

NM_000492.3(CFTR):c.870_1116del

Gene: CFTR (CF transmembrane conductance regulator; plus strand). Cytogenetic location: 7q31.2.
Variant type: Deletion.
Coding change: c.870_1116del on transcript NM_000492.3; coding-DNA positions 870 to 1116, 247 bases deleted.
Genome position (GRCh38, 1-based): chr7:117,540,100-117,540,346, 247 bases deleted. GRCh37 (hg19): chr7:117,180,154-117,180,400.
Identifiers: ClinVar variation 619839 (VCV000619839.4), dbSNP rs1562892108, ClinGen allele CA913189992.